The following is an entry in ClinVar:

NM_017433.5(MYO3A):c.3730T>C (p.Tyr1244His)

Gene: MYO3A (myosin IIIA; plus strand). Cytogenetic location: 10p12.1.
Variant type: single nucleotide variant.
Coding change: c.3730T>C on transcript NM_017433.5 (MANE Select); coding-DNA position 3730, T replaced by C.
Protein change: p.Tyr1244His; replaces tyrosine 1244 with histidine.
Molecular consequence: missense variant.
Genome position (GRCh38, 1-based): chr10:26,173,994, T>C. VCF-style: chr10-26173994-T-C. GRCh37 (hg19) VCF-style: chr10-26462923-T-C.
Other names: short protein forms Y1244H.
Identifiers: ClinVar variation 227667 (VCV000227667.16), dbSNP rs148993025, ClinGen allele CA5445319.

ClinVar aggregate classification (germline): Conflicting classifications of pathogenicity. Review status: criteria provided, conflicting classifications (1 of 4 stars). 5 submissions from 5 submitters: Uncertain significance (4); Likely benign (1). Last evaluated 2025-06-25.

Conditions:
Autosomal recessive nonsyndromic hearing loss 30. Identifiers: Orphanet 90636, MedGen C1846784, MONDO:0011774, OMIM 607101.
Inborn genetic diseases. Identifiers: MedGen C0950123, MeSH D030342.

Allele frequency attached by ClinVar (database versions not stated): gnomAD exomes 0.00003 and 0.00007; ExAC 0.00009; ESP Exome Variant Server 0.00015; gnomAD 0.00017 and 0.00019; TOPMed 0.00019; 1000 Genomes Project 0.00020; 1000 Genomes Project 30x 0.00031.
gnomAD v4.1: 67 of 1,609,572 alleles (0.0042%); highest among the groups gnomAD compares: Middle Eastern, 0.066%; no homozygotes.

Submissions (5):

Labcorp Genetics (formerly Invitae), Labcorp
Classification: Uncertain significance. Last evaluated: 2025-06-25. Review status: criteria provided, single submitter. Criteria: Invitae Variant Classification Sherloc (09022015). Collection method: clinical testing. Allele origin: germline.
Comment: This sequence change replaces tyrosine, which is neutral and polar, with histidine, which is basic and polar, at codon 1244 of the MYO3A protein (p.Tyr1244His). This variant is present in population databases (rs148993025, gnomAD 0.06%). This variant has not been reported in the literature in individuals affected with MYO3A-related conditions. ClinVar contains an entry for this variant (Variation ID: 227667). Invitae Evidence Modeling of protein sequence and biophysical properties (such as structural, functional, and spatial information, amino acid conservation, physicochemical variation, residue mobility, and thermodynamic stability) indicates that this missense variant is not expected to disrupt MYO3A protein function with a negative predictive value of 80%. In summary, the available evidence is currently insufficient to determine the role of this variant in disease. Therefore, it has been classified as a Variant of Uncertain Significance.

Ambry Genetics
Classification: Uncertain significance for Inborn genetic diseases. Last evaluated: 2024-06-03. Review status: criteria provided, single submitter. Criteria: Ambry Variant Classification Scheme 2023. Collection method: clinical testing. Allele origin: germline.

Blueprint Genetics
Classification: Uncertain significance. Last evaluated: 2023-07-06. Review status: criteria provided, single submitter. Criteria: ACMG Guidelines, 2015. Collection method: clinical testing. Allele origin: germline.

Illumina Laboratory Services, Illumina
Classification: Uncertain significance for Autosomal recessive nonsyndromic hearing loss 30. Last evaluated: 2018-01-12. Review status: criteria provided, single submitter. Criteria: ICSL Variant Classification Criteria 13 December 2019. Collection method: clinical testing. Allele origin: germline.

Laboratory for Molecular Medicine, Mass General Brigham Personalized Medicine
Classification: Likely benign. Last evaluated: 2015-06-16. Review status: criteria provided, single submitter. Criteria: LMM Criteria. Collection method: clinical testing. Allele origin: germline. Observed: 2 variant alleles.
Comment: p.Tyr1244His in exon 30 of MYO3A: This variant is not expected to have clinical significance due to a lack of conservation across species, including mammals. Of note, Egyptian jerboa, brush-tailed rat, and platypus have a histidine (His) at this position. It has been identified in (9/10140) of African chromosomes by th e Exome Aggregation Consortium (ExAC; dbSNP rs14 8993025).